The following is an entry in ClinVar:

ClinVar aggregate classification (germline): Uncertain significance (1 of 4 stars; one submission).

Allele frequency attached by ClinVar (database versions not stated): ExAC 0.00001; TOPMed 0.00002; gnomAD 0.00003.
gnomAD v4.1: 10 of 1,614,090 alleles (0.00062%); highest among the groups gnomAD compares: Admixed American, 0.01%; no homozygotes.

Submission:

Labcorp Genetics (formerly Invitae), Labcorp
Classification: Uncertain significance. Last evaluated: 2024-03-16. Review status: criteria provided, single submitter. Criteria: Invitae Variant Classification Sherloc (09022015). Collection method: clinical testing. Allele origin: germline.
Comment: This sequence change replaces isoleucine, which is neutral and non-polar, with leucine, which is neutral and non-polar, at codon 305 of the RHO protein (p.Ile305Leu). This variant is present in population databases (rs199701338, gnomAD 0.01%). This missense change has been observed in individual(s) with clinical features of RHO-related conditions (Invitae). ClinVar contains an entry for this variant (Variation ID: 1415452). Advanced modeling of protein sequence and biophysical properties (such as structural, functional, and spatial information, amino acid conservation, physicochemical variation, residue mobility, and thermodynamic stability) performed at Invitae indicates that this missense variant is not expected to disrupt RHO protein function with a negative predictive value of 80%. In summary, the available evidence is currently insufficient to determine the role of this variant in disease. Therefore, it has been classified as a Variant of Uncertain Significance.

NM_000539.3(RHO):c.913A>C (p.Ile305Leu)

Gene: RHO (rhodopsin; plus strand). Cytogenetic location: 3q22.1.
Variant type: single nucleotide variant.
Coding change: c.913A>C on transcript NM_000539.3 (MANE Select); coding-DNA position 913, A replaced by C.
Protein change: p.Ile305Leu; replaces isoleucine 305 with leucine.
Molecular consequence: missense variant.
Genome position (GRCh38, 1-based): chr3:129,532,749, A>C. VCF-style: chr3-129532749-A-C. GRCh37 (hg19) VCF-style: chr3-129251592-A-C.
Other names: short protein forms I305L.
Identifiers: ClinVar variation 1415452 (VCV001415452.6), dbSNP rs199701338, ClinGen allele CA2607309.